The following is an entry in ClinVar:

ClinVar aggregate classification (germline): Likely benign (1 of 4 stars; one submission).

gnomAD v4.1: 4 of 1,509,448 alleles (0.00026%); highest among the groups gnomAD compares: African/African-American, 0.0044%; no homozygotes.

Submission:

Mayo Clinic Laboratories, Mayo Clinic
Classification: Likely benign. Last evaluated: 2025-04-23. Review status: criteria provided, single submitter. Criteria: ACMG Guidelines, 2015. Collection method: clinical testing. Allele origin: germline. Observed: 1 variant allele.
Comment: BP4, BP7

NM_005876.5(SPEG):c.1797C>T (p.Thr599=)

Gene: SPEG (striated muscle enriched protein kinase; plus strand). Cytogenetic location: 2q35.
Variant type: single nucleotide variant.
Coding change: c.1797C>T on transcript NM_005876.5 (MANE Select); coding-DNA position 1797, C replaced by T.
Protein change: p.Thr599=; no amino-acid change (threonine 599 retained).
Molecular consequence: synonymous variant.
Genome position (GRCh38, 1-based): chr2:219,448,955, C>T. VCF-style: chr2-219448955-C-T. GRCh37 (hg19) VCF-style: chr2-220313677-C-T.
Other names: p.Thr599=; c.1338C>T, p.Thr446= (NM_001438928.1, NM_001438933.1); c.1515C>T, p.Thr505= (NM_001438929.1, NM_001438926.1); c.1308C>T, p.Thr436= (NM_001438930.1, NM_001438934.1); c.1458C>T, p.Thr486= (NM_001438931.1); c.1251C>T, p.Thr417= (NM_001438932.1); c.1485C>T, p.Thr495= (NM_001438927.1); c.1827C>T, p.Thr609= (NM_001438924.1); and 1 more.
Identifiers: ClinVar variation 4684649 (VCV004684649.1).
Genomic context (GRCh38, chr2:219,448,955, plus strand): 5'-GACAGAGCCGGGGGAAGGCCCGCAGCAGGAGGTTAGGCGTCGGGACCAATTCCCGCTGAC[C>T]CGGAGCAGAGCCATCCAGGAGTGCAGGAGCCCTGTGCCGCCCCCCGCCGCCGATCCCCCA-3'
Protein context (NP_005867.3, residues 589-609): EVRRRDQFPL[Thr599=]RSRAIQECRS